The following is an entry in ClinVar:

NM_004006.3(DMD):c.6896A>C (p.Asn2299Thr)

Gene: DMD (dystrophin; minus strand). Cytogenetic location: Xp21.1.
Variant type: single nucleotide variant.
Coding change: c.6896A>C on transcript NM_004006.3 (MANE Select); coding-DNA position 6896, A replaced by C.
Protein change: p.Asn2299Thr; replaces asparagine 2299 with threonine.
Molecular consequence: missense variant. On other transcripts: 5 prime UTR variant (5).
Genome position (GRCh38, 1-based): chrX:31,929,612, T>G on the plus strand (A>C on the coding strand, the complement: DMD is on the minus strand). VCF-style: chrX-31929612-T-G. GRCh37 (hg19) VCF-style: chrX-31947729-T-G.
Other names: c.6872A>C, p.Asn2291Thr (NM_000109.4); c.6884A>C, p.Asn2295Thr (NM_004009.3); c.6527A>C, p.Asn2176Thr (NM_004010.3); c.2873A>C, p.Asn958Thr (NM_004011.4); c.2864A>C, p.Asn955Thr (NM_004012.4); c.-485A>C (NM_004013.3, NM_004020.4, NM_004021.3 and 2 more transcripts); short protein forms N2299T, N2176T, N2291T, N2295T, N955T, N958T.
Identifiers: ClinVar variation 287917 (VCV000287917.23), dbSNP rs747055774, ClinGen allele CA10378386.
Genomic context (GRCh38, chrX:31,929,612, plus strand): 5'-GCAACATTTAACACATGTGACGGAAGAGATGGTTAATGTCTAACCTTTATCCACTGGAGA[T>G]TTGTCTGCTTGAGCTTATTTTCAAGTTTATCTTGCTCTTCTGGGCTTATGGGAGCACTTA-3'
Protein context (NP_003997.2, residues 2289-2309): DKLENKLKQT[Asn2299Thr]LQWIKVSRAL

ClinVar aggregate classification (germline): Conflicting classifications of pathogenicity. Review status: criteria provided, conflicting classifications (1 of 4 stars). 5 submissions from 5 submitters: Uncertain significance (1); Likely benign (3). 1 of the submissions does not count toward it. Last evaluated 2025-09-02.

Conditions:
DMD-related disorder. Also called: DMD-related condition.
Cardiovascular phenotype. Identifiers: MedGen CN230736.
Duchenne muscular dystrophy (DMD). Also called: Duchenne Muscular Dystrophy (DMD); MUSCULAR DYSTROPHY, PSEUDOHYPERTROPHIC PROGRESSIVE, DUCHENNE TYPE. Identifiers: Orphanet 98896, MedGen C0013264, MONDO:0010679, OMIM 310200.

Allele frequency attached by ClinVar (database versions not stated): gnomAD 0.00001; gnomAD exomes 0.00004 and 0.00009; TOPMed 0.00004; ExAC 0.00008.
gnomAD v4.1: 19 of 1,209,096 alleles (0.0016%); highest among the groups gnomAD compares: Admixed American, 0.04%; no homozygotes.

Submissions (5):

Labcorp Genetics (formerly Invitae), Labcorp
Classification: Likely benign for Duchenne muscular dystrophy. Last evaluated: 2025-09-02. Review status: criteria provided, single submitter. Criteria: Invitae Variant Classification Sherloc (09022015). Collection method: clinical testing. Allele origin: germline.

Ambry Genetics
Classification: Likely benign for Cardiovascular phenotype. Last evaluated: 2025-01-17. Review status: criteria provided, single submitter. Criteria: Ambry Variant Classification Scheme 2023. Collection method: clinical testing. Allele origin: germline.

GeneDx
Classification: Likely benign. Last evaluated: 2020-01-22. Review status: criteria provided, single submitter. Criteria: GeneDx Variant Classification Process June 2021. Collection method: clinical testing. Allele origin: germline. Affected: yes.

Eurofins Ntd Llc (ga)
Classification: Uncertain significance. Last evaluated: 2016-05-19. Review status: criteria provided, single submitter. Criteria: EGL Classification Definitions 2015. Collection method: clinical testing. Allele origin: germline. Observed: 2 variant alleles, 2 hemizygotes.

PreventionGenetics, part of Exact Sciences
Classification: Likely benign for DMD-related condition. Last evaluated: 2022-01-24. Review status: no assertion criteria provided. Collection method: clinical testing. Allele origin: germline. Not counted in ClinVar's aggregate classification.
Comment: This variant is classified as likely benign based on ACMG/AMP sequence variant interpretation guidelines (Richards et al. 2015 PMID: 25741868, with internal and published modifications).

Literature cited by the submitters: PubMed 12359139 (cited by Ambry Genetics).